The following is an entry in ClinVar:

ClinVar aggregate classification (germline): Pathogenic (1 of 4 stars; one submission).

Conditions:
Mendelian susceptibility to mycobacterial diseases due to complete IL12RB1 deficiency. Also called: Immunodeficiency 30; IL12RB1 DEFICIENCY. Identifiers: Orphanet 319552, MedGen C4013949, MONDO:0013955, OMIM 614891.

Submission:

Labcorp Genetics (formerly Invitae), Labcorp
Classification: Pathogenic for Mendelian susceptibility to mycobacterial diseases due to complete IL12RB1 deficiency. Last evaluated: 2022-02-15. Review status: criteria provided, single submitter. Criteria: Invitae Variant Classification Sherloc (09022015). Collection method: clinical testing. Allele origin: germline.
Comment: For these reasons, this variant has been classified as Pathogenic. Algorithms developed to predict the effect of sequence changes on RNA splicing suggest that this variant may disrupt the consensus splice site. This variant has not been reported in the literature in individuals affected with IL12RB1-related conditions. This variant is not present in population databases (gnomAD no frequency). This sequence change creates a premature translational stop signal (p.Ala443Profs*12) in the IL12RB1 gene. It is expected to result in an absent or disrupted protein product. Loss-of-function variants in IL12RB1 are known to be pathogenic (PMID: 9603733, 12591909).

Literature cited by the submitters: PubMed 9603733; PubMed 12591909.

NM_005535.3(IL12RB1):c.1327+1del

Gene: IL12RB1 (interleukin 12 receptor subunit beta 1; minus strand). Cytogenetic location: 19p13.11.
Variant type: Deletion.
Coding change: c.1327+1del on transcript NM_005535.3 (MANE Select); the canonical splice donor site of the intron after coding-DNA position 1327, one base deleted (G; older notation c.1327+1delG).
Molecular consequence: splice donor variant.
Genome position (GRCh38, 1-based): chr19:18,068,388, C deleted on the plus strand (G on the coding strand, the reverse complement: IL12RB1 is on the minus strand); the first of 2 consecutive C bases (chr19:18,068,388-18,068,389); deleting either gives the same sequence. VCF-style (leftmost placement, unchanged base first): chr19-18068387-AC-A. GRCh37 (hg19) VCF-style: chr19-18179197-AC-A.
Other names: c.1447+1del (NM_001290024.2); c.1327+1del (NM_001290023.2); c.1348+1del (NM_001440425.1, NM_001440424.1).
Identifiers: ClinVar variation 2097232 (VCV002097232.4), dbSNP rs2515045138, ClinGen allele CA2580096723.